The following is an entry in ClinVar:

ClinVar aggregate classification (germline): Uncertain significance (1 of 4 stars; one submission).

Conditions:
Hereditary cancer-predisposing syndrome. Also called: Neoplastic Syndromes, Hereditary; Tumor predisposition; Hereditary Cancer Syndrome; Hereditary neoplastic syndrome. Identifiers: Orphanet 140162, MedGen C0027672, MeSH D009386, MONDO:0015356.

Submission:

Ambry Genetics
Classification: Uncertain significance for Hereditary cancer-predisposing syndrome. Last evaluated: 2026-01-07. Review status: criteria provided, single submitter. Criteria: Ambry Variant Classification Scheme 2023. Collection method: clinical testing. Allele origin: germline.
Comment: The c.1447-251C>G intronic variant results from a C to G substitution 251 nucleotides upstream from coding exon 14 in the NF2 gene. This variant was reported in individual(s) with features consistent with NF2-related schwannomatosis (Ambry internal data). In silico splice site analysis predicts that this alteration will result in the creation or strengthening of a novel splice donor site; however, direct evidence is insufficient at this time (Ambry internal data). Based on the available evidence, the clinical significance of this variant remains unclear.

NM_000268.4(NF2):c.1447-251C>G

Gene: NF2 (NF2, moesin-ezrin-radixin like (MERLIN) tumor suppressor; plus strand). Cytogenetic location: 22q12.2.
Variant type: single nucleotide variant.
Coding change: c.1447-251C>G on transcript NM_000268.4 (MANE Select); 251 bases into the intron before coding-DNA position 1447, C replaced by G.
Molecular consequence: intron variant.
Genome position (GRCh38, 1-based): chr22:29,677,945, C>G. VCF-style: chr22-29677945-C-G. GRCh37 (hg19) VCF-style: chr22-30073934-C-G.
Other names: c.913-251C>G (NM_001407065.1); c.1447-251C>G (NM_181832.3, NM_001407060.1, NM_001407066.1 and 2 more transcripts); c.1312-251C>G (NM_001407059.1, NM_001407057.1); c.448-16807C>G (NM_181833.3); c.1324-251C>G (NM_001407058.1, NM_181829.3, NM_001407054.1); c.1189-251C>G (NM_001407062.1); c.1321-251C>G (NM_181828.3, NM_001407055.1); c.1198-251C>G (NM_001407063.1, NM_181830.3, NM_001407064.1 and 1 more transcripts); and 2 more.
Identifiers: ClinVar variation 4843849 (VCV004843849.1).